The following is an entry in ClinVar:

ClinVar aggregate classification (germline): Likely pathogenic (1 of 4 stars; one submission).

Conditions:
Deficiency of alpha-mannosidase (MANSA). Also called: Alpha-Mannosidosis; LYSOSOMAL ALPHA-D-MANNOSIDASE DEFICIENCY; Mannosidosis, alpha-, types I and II. Identifiers: Orphanet 61, MedGen C0024748, MONDO:0009561, OMIM 248500.

Submission:

Labcorp Genetics (formerly Invitae), Labcorp
Classification: Likely pathogenic for Deficiency of alpha-mannosidase. Last evaluated: 2023-09-26. Review status: criteria provided, single submitter. Criteria: Invitae Variant Classification Sherloc (09022015). Collection method: clinical testing. Allele origin: germline.
Comment: In summary, the currently available evidence indicates that the variant is pathogenic, but additional data are needed to prove that conclusively. Therefore, this variant has been classified as Likely Pathogenic. Algorithms developed to predict the effect of sequence changes on RNA splicing suggest that this variant may disrupt the consensus splice site. This sequence change affects an acceptor splice site in intron 12 of the MAN2B1 gene. It is expected to disrupt RNA splicing. Variants that disrupt the donor or acceptor splice site typically lead to a loss of protein function (PMID: 16199547), and loss-of-function variants in MAN2B1 are known to be pathogenic (PMID: 9915946, 22161967). This variant is not present in population databases (gnomAD no frequency). This variant has not been reported in the literature in individuals affected with MAN2B1-related conditions.

Literature cited by the submitters: PubMed 16199547; PubMed 9915946; PubMed 22161967.

NM_000528.4(MAN2B1):c.1528-2A>G

Gene: MAN2B1 (mannosidase alpha class 2B member 1; minus strand). Cytogenetic location: 19p13.13.
Variant type: single nucleotide variant.
Coding change: c.1528-2A>G on transcript NM_000528.4 (MANE Select); the canonical splice acceptor site of the intron before coding-DNA position 1528, A replaced by G.
Molecular consequence: splice acceptor variant.
Genome position (GRCh38, 1-based): chr19:12,656,689, T>C on the plus strand (A>G on the coding strand, the complement: MAN2B1 is on the minus strand). VCF-style: chr19-12656689-T-C. GRCh37 (hg19) VCF-style: chr19-12767503-T-C.
Other names: c.1525-2A>G (NM_001173498.2).
Identifiers: ClinVar variation 2806328 (VCV002806328.3), dbSNP rs2145253412, ClinGen allele CA404245980.